The following is an entry in ClinVar:

ClinVar aggregate classification (germline): Uncertain significance (1 of 4 stars; one submission).

Conditions:
Pyogenic bacterial infections due to MyD88 deficiency (IMD68). Also called: PYOGENIC BACTERIAL INFECTIONS, RECURRENT, DUE TO MYD88 DEFICIENCY. Identifiers: Orphanet 183713, MedGen C2677092, MONDO:0012839, OMIM 612260.

Allele frequency attached by ClinVar (database versions not stated): TOPMed below 0.00001; gnomAD exomes 0.00001; ExAC 0.00002.
gnomAD v4.1: 9 of 1,613,700 alleles (0.00056%); highest among the groups gnomAD compares: East Asian, 0.0022%; no homozygotes.

Submission:

Labcorp Genetics (formerly Invitae), Labcorp
Classification: Uncertain significance for Pyogenic bacterial infections due to MyD88 deficiency. Last evaluated: 2018-12-26. Review status: criteria provided, single submitter. Criteria: Invitae Variant Classification Sherloc (09022015). Collection method: clinical testing. Allele origin: germline.
Comment: In summary, the available evidence is currently insufficient to determine the role of this variant in disease. Therefore, it has been classified as a Variant of Uncertain Significance. Algorithms developed to predict the effect of missense changes on protein structure and function are either unavailable or do not agree on the potential impact of this missense change (SIFT: "Deleterious"; PolyPhen-2: "Probably Damaging"; Align-GVGD: "Class C0"). This variant has not been reported in the literature in individuals with MYD88-related conditions. This variant is present in population databases (rs748676192, ExAC 0.01%). This sequence change replaces asparagine with serine at codon 51 of the MYD88 protein (p.Asn51Ser). The asparagine residue is highly conserved and there is a small physicochemical difference between asparagine and serine.

NM_002468.5(MYD88):c.113A>G (p.Asn38Ser)

Gene: MYD88 (MYD88 innate immune signal transduction adaptor; plus strand). Cytogenetic location: 3p22.2.
Variant type: single nucleotide variant.
Coding change: c.113A>G on transcript NM_002468.5 (MANE Select); coding-DNA position 113, A replaced by G.
Protein change: p.Asn38Ser; replaces asparagine 38 with serine.
Molecular consequence: missense variant.
Genome position (GRCh38, 1-based): chr3:38,138,813, A>G. VCF-style: chr3-38138813-A-G. GRCh37 (hg19) VCF-style: chr3-38180304-A-G.
Other names: c.113A>G, p.Asn38Ser (NM_001172566.2, NM_001172567.2, NM_001172568.2 and 3 more transcripts); short protein forms N38S.
Identifiers: ClinVar variation 639601 (VCV000639601.6), dbSNP rs748676192, ClinGen allele CA2316034.